The following is an entry in ClinVar:

NM_020376.4(PNPLA2):c.283C>T (p.Arg95Cys)

Gene: PNPLA2 (patatin like domain 2, triacylglycerol lipase; plus strand). Cytogenetic location: 11p15.5.
Variant type: single nucleotide variant.
Coding change: c.283C>T on transcript NM_020376.4 (MANE Select); coding-DNA position 283, C replaced by T.
Protein change: p.Arg95Cys; replaces arginine 95 with cysteine.
Molecular consequence: missense variant.
Genome position (GRCh38, 1-based): chr11:821,723, C>T. VCF-style: chr11-821723-C-T. GRCh37 (hg19) VCF-style: chr11-821723-C-T.
Other names: c.283C>T (NM_020376.3); short protein forms R95C.
Identifiers: ClinVar variation 1909280 (VCV001909280.3), dbSNP rs143443756, ClinGen allele CA5790935.

ClinVar aggregate classification (germline): Uncertain significance. Review status: criteria provided, multiple submitters, no conflicts (2 of 4 stars). 2 submissions from 2 submitters: Uncertain significance (2). Last evaluated 2023-12-17.

Conditions:
Inborn genetic diseases. Identifiers: MedGen C0950123, MeSH D030342.
Neutral lipid storage myopathy (NLSDM). Also called: NEUTRAL LIPID STORAGE DISEASE WITHOUT ICHTHYOSIS. Identifiers: Orphanet 98908, MedGen C1853136, MONDO:0012545, OMIM 610717.

Allele frequency attached by ClinVar (database versions not stated): gnomAD 0.00010; ESP Exome Variant Server 0.00015.
gnomAD v4.1: 35 of 1,613,848 alleles (0.0022%); highest among the groups gnomAD compares: African/African-American, 0.025%; no homozygotes.

Submissions (2):

Ambry Genetics
Classification: Uncertain significance for Inborn genetic diseases. Last evaluated: 2023-12-17. Review status: criteria provided, single submitter. Criteria: Ambry Variant Classification Scheme 2023. Collection method: clinical testing. Allele origin: germline.

Labcorp Genetics (formerly Invitae), Labcorp
Classification: Uncertain significance for Neutral lipid storage myopathy. Last evaluated: 2022-08-22. Review status: criteria provided, single submitter. Criteria: Invitae Variant Classification Sherloc (09022015). Collection method: clinical testing. Allele origin: germline.
Comment: This sequence change replaces arginine, which is basic and polar, with cysteine, which is neutral and slightly polar, at codon 95 of the PNPLA2 protein (p.Arg95Cys). This variant is present in population databases (rs143443756, gnomAD 0.01%). This variant has not been reported in the literature in individuals affected with PNPLA2-related conditions. Algorithms developed to predict the effect of missense changes on protein structure and function (SIFT, PolyPhen-2, Align-GVGD) all suggest that this variant is likely to be disruptive. In summary, the available evidence is currently insufficient to determine the role of this variant in disease. Therefore, it has been classified as a Variant of Uncertain Significance.